The following is an entry in ClinVar:

NM_001378778.1(MPDZ):c.5686C>T (p.His1896Tyr)

Gene: MPDZ (multiple PDZ domain crumbs cell polarity complex component; minus strand). Cytogenetic location: 9p23.
Variant type: single nucleotide variant.
Coding change: c.5686C>T on transcript NM_001378778.1 (MANE Select); coding-DNA position 5686, C replaced by T.
Protein change: p.His1896Tyr; replaces histidine 1896 with tyrosine.
Molecular consequence: missense variant.
Genome position (GRCh38, 1-based): chr9:13,112,062, G>A on the plus strand (C>T on the coding strand, the complement: MPDZ is on the minus strand). VCF-style: chr9-13112062-G-A. GRCh37 (hg19) VCF-style: chr9-13112061-G-A.
Other names: c.5587C>T, p.His1863Tyr (NM_001261406.2, NM_001375416.1, NM_001375417.1 and 1 more transcripts); c.5500C>T, p.His1834Tyr (NM_001261407.2, NM_001375419.1); c.5686C>T, p.His1896Tyr (NM_001330637.2); c.5785C>T, p.His1929Tyr (NM_001375413.1); c.5476C>T, p.His1826Tyr (NM_001375420.1, NM_001375421.1, NM_001375422.1 and 2 more transcripts); c.5389C>T, p.His1797Tyr (NM_001375425.1, NM_001375426.1); c.5278C>T, p.His1760Tyr (NM_001375427.1); c.5599C>T, p.His1867Tyr (NM_003829.5); short protein forms H1826Y, H1867Y, H1760Y, H1797Y, H1863Y, H1929Y, H1834Y, H1896Y.
Identifiers: ClinVar variation 1955994 (VCV001955994.3), dbSNP rs1942581163, ClinGen allele CA372941331.

ClinVar aggregate classification (germline): Uncertain significance (1 of 4 stars; one submission).

Allele frequency attached by ClinVar (database versions not stated): gnomAD 0.00001.
gnomAD v4.1: 2 of 1,613,494 alleles (0.00012%); highest among the groups gnomAD compares: African/African-American, 0.0027%; no homozygotes.

Submission:

Labcorp Genetics (formerly Invitae), Labcorp
Classification: Uncertain significance. Last evaluated: 2022-11-15. Review status: criteria provided, single submitter. Criteria: Invitae Variant Classification Sherloc (09022015). Collection method: clinical testing. Allele origin: germline.
Comment: Algorithms developed to predict the effect of missense changes on protein structure and function are either unavailable or do not agree on the potential impact of this missense change (SIFT: "Deleterious"; PolyPhen-2: "Probably Damaging"; Align-GVGD: "Class C0"). In summary, the available evidence is currently insufficient to determine the role of this variant in disease. Therefore, it has been classified as a Variant of Uncertain Significance. This variant has not been reported in the literature in individuals affected with MPDZ-related conditions. This variant is not present in population databases (gnomAD no frequency). This sequence change replaces histidine, which is basic and polar, with tyrosine, which is neutral and polar, at codon 1867 of the MPDZ protein (p.His1867Tyr).